The following is an entry in ClinVar:

ClinVar aggregate classification (germline): Conflicting classifications of pathogenicity. Review status: criteria provided, conflicting classifications (1 of 4 stars). 5 submissions from 5 submitters: Uncertain significance (4); Likely benign (1). Last evaluated 2025-08-05.

Conditions:
Hereditary spastic paraplegia 30. Identifiers: Orphanet 101010, MedGen C5235139, MONDO:0012476.
Neuropathy, hereditary sensory, type 2C. Also called: KIF1A-Related HSAN2 (HSAN2C); Hereditary sensory and autonomic neuropathy type IIC. Identifiers: Orphanet 970, MedGen C3280168, MONDO:0013634, OMIM 614213.
Intellectual disability, autosomal dominant 9 (NESCAVS). Also called: NESCAV SYNDROME; KIF1A-Related Neurodevelopmental Disorder. Identifiers: Orphanet 662367, MedGen C5393830, MONDO:0013656, OMIM 614255.

Allele frequency attached by ClinVar (database versions not stated): TOPMed 0.00002; ExAC 0.00012; 1000 Genomes Project 30x 0.00031; 1000 Genomes Project 0.00040.
gnomAD v4.1: 115 of 1,548,984 alleles (0.0074%); highest among the groups gnomAD compares: South Asian, 0.071%; no homozygotes.

Submissions (5):

Labcorp Genetics (formerly Invitae), Labcorp
Classification: Likely benign for Hereditary spastic paraplegia 30; Neuropathy, hereditary sensory, type 2C; Intellectual disability, autosomal dominant 9. Last evaluated: 2025-08-05. Review status: criteria provided, single submitter. Criteria: Invitae Variant Classification Sherloc (09022015). Collection method: clinical testing. Allele origin: germline.

Neuberg Centre For Genomic Medicine, NCGM
Classification: Uncertain significance for Neuropathy, hereditary sensory, type 2C. Last evaluated: 2023-06-22. Review status: criteria provided, single submitter. Criteria: ACMG Guidelines, 2015. Collection method: clinical testing. Allele origin: germline. Inheritance: Autosomal recessive inheritance. Affected: yes.
Comment: The observed missense c.4585G>A(p.Ala1529Thr) variant in KIF1A gene has not been reported previously as a pathogenic variant nor as a benign variant, to our knowledge. This variant is present with an allele frequency of 0.01% in gnomAD Exomes database. This variant has been reported to the ClinVar database as Likely benign/ Uncertain Significance. Computational evidence (Polyphen - Benign, SIFT -Tolerated and MutationTaster -polymorphism) predicts conflicting evidence on protein structure and function for this variant. The reference amino acid in KIF1A is predicted as conserved by GERP++ and PhyloP across 100 vertebrates. The amino acid Ala at position 1529 is changed to a Thr changing protein sequence and it might alter its composition and physico-chemical properties. For these reasons, this variant has been classified as Uncertain Significance (VUS).

GeneDx
Classification: Uncertain significance. Last evaluated: 2023-02-05. Review status: criteria provided, single submitter. Criteria: GeneDx Variant Classification Process June 2021. Collection method: clinical testing. Allele origin: germline. Affected: yes.
Comment: In silico analysis supports that this missense variant does not alter protein structure/function; Has not been previously published as pathogenic or benign to our knowledge

Revvity Omics, Revvity
Classification: Uncertain significance. Last evaluated: 2021-09-08. Review status: criteria provided, single submitter. Criteria: ACMG Guidelines, 2015. Collection method: clinical testing. Allele origin: germline.

Genetic Services Laboratory, University of Chicago
Classification: Uncertain significance. Last evaluated: 2015-07-21. Review status: criteria provided, single submitter. Criteria: ACMG Guidelines, 2015. Collection method: clinical testing. Allele origin: germline.

NM_001244008.2(KIF1A):c.4585G>A (p.Ala1529Thr)

Gene: KIF1A (kinesin family member 1A; minus strand). Cytogenetic location: 2q37.3.
Variant type: single nucleotide variant.
Coding change: c.4585G>A on transcript NM_001244008.2 (MANE Select); coding-DNA position 4585, G replaced by A.
Protein change: p.Ala1529Thr; replaces alanine 1529 with threonine.
Molecular consequence: missense variant.
Genome position (GRCh38, 1-based): chr2:240,722,536, C>T on the plus strand (G>A on the coding strand, the complement: KIF1A is on the minus strand). VCF-style: chr2-240722536-C-T. GRCh37 (hg19) VCF-style: chr2-241661953-C-T.
Other names: c.4309G>A, p.Ala1437Thr (NM_001320705.2, NM_001379649.1); c.4336G>A, p.Ala1446Thr (NM_001330289.2); c.4384G>A, p.Ala1462Thr (NM_001330290.2, NM_001379648.1); c.4660G>A, p.Ala1554Thr (NM_001379631.1); c.4561G>A, p.Ala1521Thr (NM_001379632.1); c.4558G>A, p.Ala1520Thr (NM_001379633.1, NM_001379645.1); c.4411G>A, p.Ala1471Thr (NM_001379634.1); c.4408G>A, p.Ala1470Thr (NM_001379635.1, NM_001379646.1); and 8 more; short protein forms A1428T, A1529T, A1446T, A1462T, A1437T, A1427T, A1436T, A1445T.
Identifiers: ClinVar variation 211287 (VCV000211287.20), dbSNP rs572923181, ClinGen allele CA206106.